The following is an entry in ClinVar:

NM_004341.5(CAD):c.927T>C (p.Ala309=)

Gene: CAD (carbamoyl-phosphate synthetase 2, aspartate transcarbamylase, and dihydroorotase; plus strand). Cytogenetic location: 2p23.3.
Variant type: single nucleotide variant.
Coding change: c.927T>C on transcript NM_004341.5 (MANE Select); coding-DNA position 927, T replaced by C.
Protein change: p.Ala309=; no amino-acid change (alanine 309 retained).
Molecular consequence: synonymous variant.
Genome position (GRCh38, 1-based): chr2:27,223,680, T>C. VCF-style: chr2-27223680-T-C. GRCh37 (hg19) VCF-style: chr2-27446548-T-C.
Other names: c.927T>C, p.Ala309= (NM_001306079.2).
Identifiers: ClinVar variation 3067668 (VCV003067668.21), dbSNP rs2465293319, ClinGen allele CA425382599.

ClinVar aggregate classification (germline): Likely benign (1 of 4 stars; one submission).

Submission:

CeGaT Center for Human Genetics Tuebingen
Classification: Likely benign. Last evaluated: 2024-03-01. Review status: criteria provided, single submitter. Criteria: CeGaT Center For Human Genetics Tuebingen Variant Classification Criteria Version 2. Collection method: clinical testing. Allele origin: germline. Affected: yes. Observed: 1 variant allele.
Comment: CAD: PM2:Supporting, BP4, BP7